The following is an entry in ClinVar:

NM_014718.4(CLSTN3):c.2829C>T (p.Ser943=)

Gene: CLSTN3 (calsyntenin 3; plus strand). Cytogenetic location: 12p13.31.
Variant type: single nucleotide variant.
Coding change: c.2829C>T on transcript NM_014718.4 (MANE Select); coding-DNA position 2829, C replaced by T.
Protein change: p.Ser943=; no amino-acid change (serine 943 retained).
Molecular consequence: synonymous variant.
Genome position (GRCh38, 1-based): chr12:7,158,039, C>T. VCF-style: chr12-7158039-C-T. GRCh37 (hg19) VCF-style: chr12-7310635-C-T.
Identifiers: ClinVar variation 2642668 (VCV002642668.24), dbSNP rs142128898, ClinGen allele CA6425931.
Genomic context (GRCh38, chr12:7,158,039, plus strand): 5'-TGGGGGCCAGCAGGAGGATGAGGACAGCAGTGACTCGGAGGTGGCCGATTCCCCCAGCAG[C>T]GACGAGAGACGCATCATCGAGACCCCCCCACACCGCTACTAAGGCCTACACCTCTCCCCA-3'
Protein context (NP_055533.2, residues 933-953): SDSEVADSPS[Ser943=]DERRIIETPP

ClinVar aggregate classification (germline): Likely benign (1 of 4 stars; one submission).

Allele frequency attached by ClinVar (database versions not stated): 1000 Genomes Project 30x 0.00141; 1000 Genomes Project 0.00180; ExAC 0.00422; gnomAD 0.00504; ESP Exome Variant Server 0.00505; TOPMed 0.00507; gnomAD exomes 0.00824.

Submission:

CeGaT Center for Human Genetics Tuebingen
Classification: Likely benign. Last evaluated: 2022-04-01. Review status: criteria provided, single submitter. Criteria: CeGaT Center For Human Genetics Tuebingen Variant Classification Criteria Version 2. Collection method: clinical testing. Allele origin: germline. Affected: yes. Observed: 1 variant allele.
Comment: CLSTN3: BP4, BP7